The following is an entry in ClinVar:

NM_001080.3(ALDH5A1):c.595G>A (p.Ala199Thr)

Gene: ALDH5A1 (aldehyde dehydrogenase 5 family member A1; plus strand). Cytogenetic location: 6p22.3.
Variant type: single nucleotide variant.
Coding change: c.595G>A on transcript NM_001080.3 (MANE Select); coding-DNA position 595, G replaced by A.
Protein change: p.Ala199Thr; replaces alanine 199 with threonine.
Molecular consequence: missense variant.
Genome position (GRCh38, 1-based): chr6:24,503,419, G>A. VCF-style: chr6-24503419-G-A. GRCh37 (hg19) VCF-style: chr6-24503647-G-A.
Other names: c.595G>A, p.Ala199Thr (NM_001368954.1, NM_170740.1); short protein forms A199T.
Identifiers: ClinVar variation 1399894 (VCV001399894.7), dbSNP rs775136518, ClinGen allele CA136127830.

ClinVar aggregate classification (germline): Uncertain significance (1 of 4 stars; one submission).

Conditions:
Succinate-semialdehyde dehydrogenase deficiency (SSADHD). Also called: Succinic Semialdehyde Dehydrogenase Deficiency; SSADH DEFICIENCY; 4-HYDROXYBUTYRIC ACIDURIA; GABA METABOLIC DEFECT. Identifiers: Orphanet 22, MedGen C0268631, MONDO:0010083, OMIM 271980.

Allele frequency attached by ClinVar (database versions not stated): gnomAD 0.00001; gnomAD exomes 0.00001 and 0.00003.
gnomAD v4.1: 49 of 1,612,792 alleles (0.003%); highest among the groups gnomAD compares: Non-Finnish European, 0.0041%; no homozygotes.

Submission:

Labcorp Genetics (formerly Invitae), Labcorp
Classification: Uncertain significance for Succinate-semialdehyde dehydrogenase deficiency. Last evaluated: 2024-10-16. Review status: criteria provided, single submitter. Criteria: Invitae Variant Classification Sherloc (09022015). Collection method: clinical testing. Allele origin: germline.
Comment: This sequence change replaces alanine, which is neutral and non-polar, with threonine, which is neutral and polar, at codon 199 of the ALDH5A1 protein (p.Ala199Thr). This variant is present in population databases (rs775136518, gnomAD 0.002%). This variant has not been reported in the literature in individuals affected with ALDH5A1-related conditions. ClinVar contains an entry for this variant (Variation ID: 1399894). An algorithm developed to predict the effect of missense changes on protein structure and function outputs the following: PolyPhen-2: "Benign". The threonine amino acid residue is found in multiple mammalian species, which suggests that this missense change does not adversely affect protein function. In summary, the available evidence is currently insufficient to determine the role of this variant in disease. Therefore, it has been classified as a Variant of Uncertain Significance.